The following is an entry in ClinVar:

ClinVar aggregate classification (germline): Uncertain significance. Review status: criteria provided, single submitter (1 of 4 stars). 2 submissions from 2 submitters: Uncertain significance (1). 1 of the submissions does not count toward it. Last evaluated 2024-05-20.

Conditions:
DNAH17-related disorder. Also called: DNAH17-related condition.
Inborn genetic diseases. Identifiers: MedGen C0950123, MeSH D030342.

gnomAD v4.1: 1 of 1,613,718 alleles (0.000062%); highest among the groups gnomAD compares: Admixed American, 0.0017%; no homozygotes.

Submissions (2):

Ambry Genetics
Classification: Uncertain significance for Inborn genetic diseases. Last evaluated: 2024-05-20. Review status: criteria provided, single submitter. Criteria: Ambry Variant Classification Scheme 2023. Collection method: clinical testing. Allele origin: germline.

PreventionGenetics, part of Exact Sciences
Classification: Uncertain significance for DNAH17-related condition. Last evaluated: 2024-01-18. Review status: no assertion criteria provided. Collection method: clinical testing. Allele origin: germline. Not counted in ClinVar's aggregate classification.
Comment: The DNAH17 c.3353A>G variant is predicted to result in the amino acid substitution p.Asp1118Gly. To our knowledge, this variant has not been reported in the literature. This variant is reported in 0.0029% of alleles in individuals of Latino descent in gnomAD. At this time, the clinical significance of this variant is uncertain due to the absence of conclusive functional and genetic evidence.

NM_173628.4(DNAH17):c.3353A>G (p.Asp1118Gly)

Gene: DNAH17 (dynein axonemal heavy chain 17; minus strand). Cytogenetic location: 17q25.3.
Variant type: single nucleotide variant.
Coding change: c.3353A>G on transcript NM_173628.4 (MANE Select); coding-DNA position 3353, A replaced by G.
Protein change: p.Asp1118Gly; replaces aspartic acid 1118 with glycine.
Molecular consequence: missense variant.
Genome position (GRCh38, 1-based): chr17:78,529,626, T>C on the plus strand (A>G on the coding strand, the complement: DNAH17 is on the minus strand). VCF-style: chr17-78529626-T-C. GRCh37 (hg19) VCF-style: chr17-76525708-T-C.
Other names: short protein forms D1118G.
Identifiers: ClinVar variation 3031808 (VCV003031808.3), dbSNP rs761350809, ClinGen allele CA8804232.
Genomic context (GRCh38, chr17:78,529,626, plus strand): 5'-GCTGCTTGCCTCTCCTTGACTTTCATCAGGTGCCCCATCACCTCCACAAGCCCATCATAG[T>C]CCCCCTCCTTGAGGGGCTTGGTCAAGCCCATTCTGGCGACTTTCATGAAGGCTTCCAGGT-3'
Protein context (NP_775899.3, residues 1108-1128): MGLTKPLKEG[Asp1118Gly]YDGLVEVMGH